The following is an entry in ClinVar:

NM_003737.4(DCHS1):c.5018C>T (p.Ala1673Val)

Gene: DCHS1 (dachsous cadherin-related 1; minus strand). Cytogenetic location: 11p15.4.
Variant type: single nucleotide variant.
Coding change: c.5018C>T on transcript NM_003737.4 (MANE Select); coding-DNA position 5018, C replaced by T.
Protein change: p.Ala1673Val; replaces alanine 1673 with valine.
Molecular consequence: missense variant.
Genome position (GRCh38, 1-based): chr11:6,629,689, G>A on the plus strand (C>T on the coding strand, the complement: DCHS1 is on the minus strand). VCF-style: chr11-6629689-G-A. GRCh37 (hg19) VCF-style: chr11-6650920-G-A.
Other names: short protein forms A1673V.
Identifiers: ClinVar variation 3080445 (VCV003080445.2), dbSNP rs760131897, ClinGen allele CA5860214.
Genomic context (GRCh38, chr11:6,629,689, plus strand): 5'-GCCCCAGTCCATCCCACTCATAATTCACCCCCCCAGGTCTTACCCACGTCGGGGTCGGTT[G>A]CTCGCAGGGTGAGCAGAGATGTGCCAGGAGGGTTGTTCTCACGCAAGAGGACGCTGTACT-3'
Protein context (NP_003728.1, residues 1663-1683): PPGTSLLTLR[Ala1673Val]TDPDVGANGQ

ClinVar aggregate classification (germline): Uncertain significance. Review status: criteria provided, multiple submitters, no conflicts (2 of 4 stars). 2 submissions from 2 submitters: Uncertain significance (2). Last evaluated 2025-05-24.

Conditions:
Inborn genetic diseases. Identifiers: MedGen C0950123, MeSH D030342.

Allele frequency attached by ClinVar (database versions not stated): gnomAD 0.00001; gnomAD exomes 0.00001; TOPMed 0.00001; ExAC 0.00005.

Submissions (2):

Labcorp Genetics (formerly Invitae), Labcorp
Classification: Uncertain significance. Last evaluated: 2025-05-24. Review status: criteria provided, single submitter. Criteria: Invitae Variant Classification Sherloc (09022015). Collection method: clinical testing. Allele origin: germline.
Comment: This sequence change replaces alanine, which is neutral and non-polar, with valine, which is neutral and non-polar, at codon 1673 of the DCHS1 protein (p.Ala1673Val). This variant is present in population databases (rs760131897, gnomAD 0.04%). This variant has not been reported in the literature in individuals affected with DCHS1-related conditions. ClinVar contains an entry for this variant (Variation ID: 3080445). Invitae Evidence Modeling of protein sequence and biophysical properties (such as structural, functional, and spatial information, amino acid conservation, physicochemical variation, residue mobility, and thermodynamic stability) indicates that this missense variant is not expected to disrupt DCHS1 protein function with a negative predictive value of 80%. In summary, the available evidence is currently insufficient to determine the role of this variant in disease. Therefore, it has been classified as a Variant of Uncertain Significance.

Ambry Genetics
Classification: Uncertain significance for Inborn genetic diseases. Last evaluated: 2020-12-10. Review status: criteria provided, single submitter. Criteria: Ambry Variant Classification Scheme 2023. Collection method: clinical testing. Allele origin: germline.
Comment: The c.5018C>T (p.A1673V) alteration is located in exon 11 (coding exon 10) of the DCHS1 gene. This alteration results from a C to T substitution at nucleotide position 5018, causing the alanine (A) at amino acid position 1673 to be replaced by a valine (V). The in silico prediction for the p.A1673V alteration is inconclusive. Based on insufficient or conflicting evidence, the clinical significance of this alteration remains unclear.